The following is an entry in ClinVar:

NM_001393504.1(MAST3):c.3504A>T (p.Pro1168=)

Gene: MAST3 (microtubule associated serine/threonine kinase 3; plus strand). Cytogenetic location: 19p13.11.
Variant type: single nucleotide variant.
Coding change: c.3504A>T on transcript NM_001393504.1 (MANE Select); coding-DNA position 3504, A replaced by T.
Protein change: p.Pro1168=; no amino-acid change (proline 1168 retained).
Molecular consequence: synonymous variant.
Genome position (GRCh38, 1-based): chr19:18,147,620, A>T. VCF-style: chr19-18147620-A-T. GRCh37 (hg19) VCF-style: chr19-18258430-A-T.
Other names: c.3528A>T, p.Pro1176= (NM_001393501.1); c.3507A>T, p.Pro1169= (NM_001393502.1); c.3504A>T, p.Pro1168= (NM_001393503.1); c.3474A>T, p.Pro1158= (NM_001393505.1); c.3456A>T, p.Pro1152= (NM_001393506.1, NM_001393507.1); c.3438A>T, p.Pro1146= (NM_001393508.1); c.3435A>T, p.Pro1145= (NM_001393509.1, NM_001393510.1); c.3432A>T, p.Pro1144= (NM_001393511.1, NM_001393512.1); and 9 more.
Identifiers: ClinVar variation 4983587 (VCV004983587.1).

ClinVar aggregate classification (germline): Likely benign (1 of 4 stars; one submission).

Conditions:
MAST3-related disorder.

Submission:

PreventionGenetics, part of Exact Sciences
Classification: Likely benign for MAST3-related condition. Last evaluated: 2026-06-11. Review status: criteria provided, single submitter. Criteria: ACMG Guidelines, 2015. Collection method: clinical testing. Allele origin: germline.
Comment: This variant is classified as likely benign based on ACMG/AMP sequence variant interpretation guidelines (Richards et al. 2015 PMID: 25741868, with internal and published modifications).